The following is an entry in ClinVar:

ClinVar aggregate classification (germline): Conflicting classifications of pathogenicity. Review status: criteria provided, conflicting classifications (1 of 4 stars). 2 submissions from 2 submitters: Uncertain significance (1); Likely benign (1). Last evaluated 2025-08-27.

Conditions:
Inborn genetic diseases. Identifiers: MedGen C0950123, MeSH D030342.

Allele frequency attached by ClinVar (database versions not stated): ExAC 0.00001; gnomAD exomes 0.00001; gnomAD 0.00003; TOPMed 0.00004.
gnomAD v4.1: 14 of 1,613,842 alleles (0.00087%); highest among the groups gnomAD compares: Middle Eastern, 0.016%; no homozygotes.

Submissions (2):

Ambry Genetics
Classification: Likely benign for Inborn genetic diseases. Last evaluated: 2025-08-27. Review status: criteria provided, single submitter. Criteria: Ambry Variant Classification Scheme 2023. Collection method: clinical testing. Allele origin: germline.

Labcorp Genetics (formerly Invitae), Labcorp
Classification: Uncertain significance. Last evaluated: 2022-08-08. Review status: criteria provided, single submitter. Criteria: Invitae Variant Classification Sherloc (09022015). Collection method: clinical testing. Allele origin: germline.
Comment: In summary, the available evidence is currently insufficient to determine the role of this variant in disease. Therefore, it has been classified as a Variant of Uncertain Significance. This sequence change replaces arginine, which is basic and polar, with glutamine, which is neutral and polar, at codon 1328 of the GPR179 protein (p.Arg1328Gln). This variant is present in population databases (rs758245830, gnomAD 0.004%). This variant has not been reported in the literature in individuals affected with GPR179-related conditions. Algorithms developed to predict the effect of missense changes on protein structure and function output the following: SIFT: "Tolerated"; PolyPhen-2: "Benign"; Align-GVGD: "Class C0". The glutamine amino acid residue is found in multiple mammalian species, which suggests that this missense change does not adversely affect protein function.

NM_001004334.4(GPR179):c.3983G>A (p.Arg1328Gln)

Gene: GPR179 (G protein-coupled receptor 179; minus strand). Cytogenetic location: 17q12.
Variant type: single nucleotide variant.
Coding change: c.3983G>A on transcript NM_001004334.4 (MANE Select); coding-DNA position 3983, G replaced by A.
Protein change: p.Arg1328Gln; replaces arginine 1328 with glutamine.
Molecular consequence: missense variant.
Genome position (GRCh38, 1-based): chr17:38,329,586, C>T on the plus strand (G>A on the coding strand, the complement: GPR179 is on the minus strand). VCF-style: chr17-38329586-C-T. GRCh37 (hg19) VCF-style: chr17-36485469-C-T.
Other names: c.3983G>A (NM_001004334.2); short protein forms R1328Q.
Identifiers: ClinVar variation 1946350 (VCV001946350.6), dbSNP rs758245830, ClinGen allele CA290104512.